The following is an entry in ClinVar:

NM_001042492.3(NF1):c.6076A>G (p.Ile2026Val)

Gene: NF1 (neurofibromin 1; plus strand). Cytogenetic location: 17q11.2.
Variant type: single nucleotide variant.
Coding change: c.6076A>G on transcript NM_001042492.3 (MANE Select); coding-DNA position 6076, A replaced by G.
Protein change: p.Ile2026Val; replaces isoleucine 2026 with valine.
Molecular consequence: missense variant.
Genome position (GRCh38, 1-based): chr17:31,336,402, A>G. VCF-style: chr17-31336402-A-G. GRCh37 (hg19) VCF-style: chr17-29663420-A-G.
Other names: c.6013A>G, p.Ile2005Val (NM_000267.4); short protein forms I2026V, I2005V.
Identifiers: ClinVar variation 665076 (VCV000665076.11), dbSNP rs1376868609, ClinGen allele CA399011230.

ClinVar aggregate classification (germline): Uncertain significance. Review status: criteria provided, multiple submitters, no conflicts (2 of 4 stars). 2 submissions from 2 submitters: Uncertain significance (2). Last evaluated 2025-03-09.

Conditions:
Hereditary cancer-predisposing syndrome. Also called: Neoplastic Syndromes, Hereditary; Hereditary neoplastic syndrome; Tumor predisposition; Hereditary Cancer Syndrome. Identifiers: Orphanet 140162, MedGen C0027672, MeSH D009386, MONDO:0015356.
Cardiovascular phenotype. Identifiers: MedGen CN230736.
Neurofibromatosis, type 1 (NF1). Also called: VON RECKLINGHAUSEN DISEASE; NEUROFIBROMATOSIS, TYPE I, SOMATIC; Peripheral type neurofibromatosis; Neurofibromatosis, type I. Identifiers: Orphanet 636, MedGen C0027831, MONDO:0018975, OMIM 162200. Disease mechanism: loss of function.

Allele frequency attached by ClinVar (database versions not stated): gnomAD exomes below 0.00001; TOPMed below 0.00001.
gnomAD v4.1: 3 of 1,614,146 alleles (0.00019%); highest among the groups gnomAD compares: East Asian, 0.0022%; no homozygotes.

Submissions (2):

Labcorp Genetics (formerly Invitae), Labcorp
Classification: Uncertain significance for Neurofibromatosis, type 1. Last evaluated: 2025-03-09. Review status: criteria provided, single submitter. Criteria: Invitae Variant Classification Sherloc (09022015). Collection method: clinical testing. Allele origin: germline.
Comment: This sequence change replaces isoleucine, which is neutral and non-polar, with valine, which is neutral and non-polar, at codon 2005 of the NF1 protein (p.Ile2005Val). This variant is present in population databases (no rsID available, gnomAD 0.01%). This variant has not been reported in the literature in individuals affected with NF1-related conditions. ClinVar contains an entry for this variant (Variation ID: 665076). Invitae Evidence Modeling of protein sequence and biophysical properties (such as structural, functional, and spatial information, amino acid conservation, physicochemical variation, residue mobility, and thermodynamic stability) indicates that this missense variant is not expected to disrupt NF1 protein function with a negative predictive value of 95%. In summary, the available evidence is currently insufficient to determine the role of this variant in disease. Therefore, it has been classified as a Variant of Uncertain Significance.

Ambry Genetics
Classification: Uncertain significance for Cardiovascular phenotype; Hereditary cancer-predisposing syndrome. Last evaluated: 2025-02-27. Review status: criteria provided, single submitter. Criteria: Ambry Variant Classification Scheme 2023. Collection method: clinical testing. Allele origin: germline.
Comment: The p.I2005V variant (also known as c.6013A>G), located in coding exon 40 of the NF1 gene, results from an A to G substitution at nucleotide position 6013. The isoleucine at codon 2005 is replaced by valine, an amino acid with highly similar properties. This amino acid position is highly conserved in available vertebrate species. In addition, this alteration is predicted to be tolerated by in silico analysis. Since supporting evidence is limited at this time, the clinical significance of this alteration remains unclear.